The following is an entry in ClinVar:

ClinVar aggregate classification (germline): Uncertain significance (1 of 4 stars; one submission).

Conditions:
Osteoporosis with pseudoglioma (OPPG). Also called: osteoporosis-pseudoglioma syndrome. Identifiers: Orphanet 2788, MedGen C0432252, MONDO:0009820, OMIM 259770.

Submission:

Neuberg Centre For Genomic Medicine, NCGM
Classification: Uncertain significance for Osteoporosis with pseudoglioma. Review status: criteria provided, single submitter. Criteria: ACMG Guidelines, 2015. Collection method: clinical testing. Allele origin: germline. Inheritance: Autosomal recessive inheritance. Affected: yes.
Comment: The missense variant c.527T>A (p.Ile176Asn) in LRP5 gene has not been reported previously as a pathogenic variant nor as a benign variant, to our knowledge. The p.Ile176Asn variant is novel (not in any individuals) in gnomAD Exomes and 1000 Genomes. The amino acid Ile at position 176 is changed to a Asn changing protein sequence and it might alter its composition and physico-chemical properties. The variant is predicted to be damaging by both SIFT and PolyPhen2. The residue is conserved across species. The amino acid change p.Ile176Asn in LRP5 is predicted as conserved by GERP++ and PhyloP across 100 vertebrates. For these reasons, this variant has been classified as Variant of Uncertain Significance (VUS).

NM_002335.4(LRP5):c.527T>A (p.Ile176Asn)

Gene: LRP5 (LDL receptor related protein 5; plus strand). Cytogenetic location: 11q13.2.
Variant type: single nucleotide variant.
Coding change: c.527T>A on transcript NM_002335.4 (MANE Select); coding-DNA position 527, T replaced by A.
Protein change: p.Ile176Asn; replaces isoleucine 176 with asparagine.
Molecular consequence: missense variant. On other transcripts: 5 prime UTR variant (1).
Genome position (GRCh38, 1-based): chr11:68,357,688, T>A. VCF-style: chr11-68357688-T-A. GRCh37 (hg19) VCF-style: chr11-68125156-T-A.
Other names: c.-1239T>A (NM_001291902.2); short protein forms I176N.
Identifiers: ClinVar variation 2585224 (VCV002585224.1), dbSNP rs1393486822, ClinGen allele CA381611710.